The following is an entry in ClinVar:

NM_030973.4(MED25):c.973G>C (p.Ala325Pro)

Gene: MED25 (mediator complex subunit 25; plus strand). Cytogenetic location: 19q13.33.
Variant type: single nucleotide variant.
Coding change: c.973G>C on transcript NM_030973.4 (MANE Select); coding-DNA position 973, G replaced by C.
Protein change: p.Ala325Pro; replaces alanine 325 with proline.
Molecular consequence: missense variant.
Genome position (GRCh38, 1-based): chr19:49,830,759, G>C. VCF-style: chr19-49830759-G-C. GRCh37 (hg19) VCF-style: chr19-50334016-G-C.
Other names: c.973G>C, p.Ala325Pro (NM_001378355.1); short protein forms A325P.
Identifiers: ClinVar variation 2078631 (VCV002078631.4), dbSNP rs777951151, ClinGen allele CA9585105.

ClinVar aggregate classification (germline): Uncertain significance (1 of 4 stars; one submission).

Conditions:
Charcot-Marie-Tooth disease type 2. Also called: Charcot-Marie-Tooth type 2. Identifiers: Orphanet 64746, MedGen C0270914, MONDO:0018993.

Allele frequency attached by ClinVar (database versions not stated): gnomAD 0.00001; gnomAD exomes 0.00003; ExAC 0.00006.
gnomAD v4.1: 40 of 1,613,128 alleles (0.0025%); highest among the groups gnomAD compares: South Asian, 0.043%; 1 homozygote.

Submission:

Labcorp Genetics (formerly Invitae), Labcorp
Classification: Uncertain significance for Charcot-Marie-Tooth disease type 2. Last evaluated: 2021-12-25. Review status: criteria provided, single submitter. Criteria: Invitae Variant Classification Sherloc (09022015). Collection method: clinical testing. Allele origin: germline.
Comment: In summary, the available evidence is currently insufficient to determine the role of this variant in disease. Therefore, it has been classified as a Variant of Uncertain Significance. Algorithms developed to predict the effect of missense changes on protein structure and function output the following: SIFT: "Tolerated"; PolyPhen-2: "Benign"; Align-GVGD: "Class C0". The proline amino acid residue is found in multiple mammalian species, which suggests that this missense change does not adversely affect protein function. This variant has not been reported in the literature in individuals affected with MED25-related conditions. This variant is present in population databases (rs777951151, gnomAD 0.04%). This sequence change replaces alanine, which is neutral and non-polar, with proline, which is neutral and non-polar, at codon 325 of the MED25 protein (p.Ala325Pro).